The following is an entry in ClinVar:

NM_004984.4(KIF5A):c.1163C>A (p.Ala388Asp)

Gene: KIF5A (kinesin family member 5A; plus strand). Cytogenetic location: 12q13.3.
Variant type: single nucleotide variant.
Coding change: c.1163C>A on transcript NM_004984.4 (MANE Select); coding-DNA position 1163, C replaced by A.
Protein change: p.Ala388Asp; replaces alanine 388 with aspartic acid.
Molecular consequence: missense variant.
Genome position (GRCh38, 1-based): chr12:57,570,032, C>A. VCF-style: chr12-57570032-C-A. GRCh37 (hg19) VCF-style: chr12-57963815-C-A.
Other names: c.896C>A, p.Ala299Asp (NM_001354705.2); short protein forms A299D, A388D.
Identifiers: ClinVar variation 934209 (VCV000934209.11), dbSNP rs1882197501, ClinGen allele CA385503763.
Genomic context (GRCh38, chr12:57,570,032, plus strand): 5'-CTTGCCCCTTTGCAGGAGAGAATGTGCCTGAGACAGAGCGCCTGGCTGGGGAGGAGGCAG[C>A]CCTGGGAGCCGAGCTCTGTGAGGAGACCCCTGTGAATGACAACTCATCCATCGTGGTGCG-3'
Protein context (NP_004975.2, residues 378-398): ETERLAGEEA[Ala388Asp]LGAELCEETP

ClinVar aggregate classification (germline): Uncertain significance. Review status: criteria provided, multiple submitters, no conflicts (2 of 4 stars). 2 submissions from 2 submitters: Uncertain significance (2). Last evaluated 2025-10-13.

Conditions:
Spastic paraplegia. Identifiers: MedGen C0037772, HP:0001258.

Submissions (2):

Labcorp Genetics (formerly Invitae), Labcorp
Classification: Uncertain significance for Spastic paraplegia. Last evaluated: 2025-10-13. Review status: criteria provided, single submitter. Criteria: Invitae Variant Classification Sherloc (09022015). Collection method: clinical testing. Allele origin: germline.
Comment: This sequence change replaces alanine, which is neutral and non-polar, with aspartic acid, which is acidic and polar, at codon 388 of the KIF5A protein (p.Ala388Asp). This variant is not present in population databases (gnomAD no frequency). This variant has not been reported in the literature in individuals affected with KIF5A-related conditions. ClinVar contains an entry for this variant (Variation ID: 934209). Invitae Evidence Modeling of protein sequence and biophysical properties (such as structural, functional, and spatial information, amino acid conservation, physicochemical variation, residue mobility, and thermodynamic stability) indicates that this missense variant is not expected to disrupt KIF5A protein function with a negative predictive value of 95%. In summary, the available evidence is currently insufficient to determine the role of this variant in disease. Therefore, it has been classified as a Variant of Uncertain Significance.

Women's Health and Genetics/Laboratory Corporation of America, LabCorp
Classification: Uncertain significance. Last evaluated: 2025-01-14. Review status: criteria provided, single submitter. Criteria: LabCorp Variant Classification Summary - May 2015. Collection method: clinical testing. Allele origin: germline.
Comment: Variant summary: KIF5A c.1163C>A (p.Ala388Asp) results in a non-conservative amino acid change in the encoded protein sequence. Four of five in-silico tools predict a benign effect of the variant on protein function. The variant was absent in 250786 control chromosomes. The available data on variant occurrences in the general population are insufficient to allow any conclusion about variant significance. To our knowledge, no occurrence of c.1163C>A in individuals affected with KIF5A-Related Disorders and no experimental evidence demonstrating its impact on protein function have been reported. ClinVar contains an entry for this variant (Variation ID: 934209). Based on the evidence outlined above, the variant was classified as uncertain significance.